The following is an entry in ClinVar:

NM_004646.4(NPHS1):c.526+1G>C

Gene: NPHS1 (NPHS1 adhesion molecule, nephrin; minus strand). Cytogenetic location: 19q13.12.
Variant type: single nucleotide variant.
Coding change: c.526+1G>C on transcript NM_004646.4 (MANE Select); the canonical splice donor site of the intron after coding-DNA position 526, G replaced by C.
Molecular consequence: splice donor variant.
Genome position (GRCh38, 1-based): chr19:35,850,960, C>G on the plus strand (G>C on the coding strand, the complement: NPHS1 is on the minus strand). VCF-style: chr19-35850960-C-G. GRCh37 (hg19) VCF-style: chr19-36341862-C-G.
Identifiers: ClinVar variation 1483737 (VCV001483737.11), dbSNP rs371515262, ClinGen allele CA9390788.

ClinVar aggregate classification (germline): Likely pathogenic. Review status: criteria provided, multiple submitters, no conflicts (2 of 4 stars). 4 submissions from 4 submitters: Likely pathogenic (4). Last evaluated 2025-03-06.

Conditions:
Finnish congenital nephrotic syndrome (NPHS1). Also called: NEPHROTIC SYNDROME, TYPE 1. Identifiers: Orphanet 839, MedGen C0403399, MONDO:0009732, OMIM 256300.

Allele frequency attached by ClinVar (database versions not stated): ExAC 0.00001; gnomAD exomes 0.00001; ESP Exome Variant Server 0.00008.
gnomAD v4.1: 12 of 1,614,060 alleles (0.00074%); highest among the groups gnomAD compares: Non-Finnish European, 0.001%; no homozygotes.

Submissions (4):

GeneDx
Classification: Likely pathogenic. Last evaluated: 2025-03-06. Review status: criteria provided, single submitter. Criteria: GeneDx Variant Classification Process June 2021. Collection method: clinical testing. Allele origin: germline. Affected: yes.
Comment: Canonical splice site variant predicted to result in an in-frame loss of the adjacent exon in a gene for which loss of function is a known mechanism of disease; Not observed at significant frequency in large population cohorts (gnomAD); Has not been previously published as pathogenic or benign to our knowledge

Fulgent Genetics
Classification: Likely pathogenic for Finnish congenital nephrotic syndrome. Last evaluated: 2024-04-03. Review status: criteria provided, single submitter. Criteria: ACMG Guidelines, 2015. Collection method: clinical testing. Allele origin: germline.

Labcorp Genetics (formerly Invitae), Labcorp
Classification: Likely pathogenic. Last evaluated: 2023-07-19. Review status: criteria provided, single submitter. Criteria: Invitae Variant Classification Sherloc (09022015). Collection method: clinical testing. Allele origin: germline.
Comment: Disruption of this splice site has been observed in individual(s) with clinical features of NPHS1-related conditions (PMID: 30963316, 32604935). In summary, the currently available evidence indicates that the variant is pathogenic, but additional data are needed to prove that conclusively. Therefore, this variant has been classified as Likely Pathogenic. Algorithms developed to predict the effect of sequence changes on RNA splicing suggest that this variant may disrupt the consensus splice site. ClinVar contains an entry for this variant (Variation ID: 1483737). This variant is present in population databases (rs371515262, gnomAD 0.0009%). This sequence change affects a donor splice site in intron 4 of the NPHS1 gene. It is expected to disrupt RNA splicing. Variants that disrupt the donor or acceptor splice site typically lead to a loss of protein function (PMID: 16199547), and loss-of-function variants in NPHS1 are known to be pathogenic (PMID: 11317351, 11854170, 12039988).

Baylor Genetics
Classification: Likely pathogenic for Finnish congenital nephrotic syndrome. Last evaluated: 2022-04-18. Review status: criteria provided, single submitter. Criteria: ACMG Guidelines, 2015. Collection method: clinical testing. Allele origin: unknown.

Literature cited by the submitters: PubMed 30963316 (cited by Labcorp Genetics (formerly Invitae), Labcorp); PubMed 32604935 (cited by Labcorp Genetics (formerly Invitae), Labcorp); PubMed 16199547 (cited by Labcorp Genetics (formerly Invitae), Labcorp); PubMed 11317351 (cited by Labcorp Genetics (formerly Invitae), Labcorp); PubMed 11854170 (cited by Labcorp Genetics (formerly Invitae), Labcorp); PubMed 12039988 (cited by Labcorp Genetics (formerly Invitae), Labcorp).